The following is an entry in ClinVar:

ClinVar aggregate classification (germline): Conflicting classifications of pathogenicity. Review status: criteria provided, conflicting classifications (1 of 4 stars). 3 submissions from 3 submitters: Likely pathogenic (1); Uncertain significance (1); Likely benign (1). Last evaluated 2026-01-22.

Allele frequency attached by ClinVar (database versions not stated): gnomAD 0.00006 and 0.00007; gnomAD exomes 0.00009 and 0.00037; TOPMed 0.00023; ExAC 0.00035.
gnomAD v4.1: 131 of 1,611,550 alleles (0.0081%); highest among the groups gnomAD compares: Admixed American, 0.18%; 1 homozygote.

Submissions (3):

Labcorp Genetics (formerly Invitae), Labcorp
Classification: Likely benign. Last evaluated: 2026-01-22. Review status: criteria provided, single submitter. Criteria: Invitae Variant Classification Sherloc (09022015). Collection method: clinical testing. Allele origin: germline.

Center for Pediatric Genomic Medicine, Children's Mercy Hospital and Clinics
Classification: Uncertain significance. Last evaluated: 2017-02-06. Review status: criteria provided, single submitter. Criteria: ACMG Guidelines, 2015. Collection method: clinical testing. Allele origin: germline.
ClinVar note: Converted during submission from Uncertain Significance to Uncertain significance.

GeneDx
Classification: Likely pathogenic. Last evaluated: 2015-04-09. Review status: criteria provided, single submitter. Criteria: GeneDx Variant Classification (06012015). Collection method: clinical testing. Allele origin: germline. Affected: yes.
Comment: The R31Q variant has not been published as a pathogenic variant, nor has it been reported as a benign polymorphism to our knowledge. The R31Q variant is a semi-conservative amino acid substitution, which may impact secondary protein structure as these residues differ in some properties. This substitution occurs at a position that is conserved across species. In silico analysis predicts this variant is probably damaging to the protein structure/function. Therefore, this variant is a strong candidate for a pathogenic variant, however the possibility that it is a benign variant cannot be excluded.

NM_198076.6(COX20):c.92G>A (p.Arg31Gln)

Gene: COX20 (cytochrome c oxidase assembly factor COX20; plus strand). Cytogenetic location: 1q44.
Variant type: single nucleotide variant.
Coding change: c.92G>A on transcript NM_198076.6 (MANE Select); coding-DNA position 92, G replaced by A.
Protein change: p.Arg31Gln; replaces arginine 31 with glutamine.
Molecular consequence: missense variant. On other transcripts: non-coding transcript variant (1), intron variant (1).
Genome position (GRCh38, 1-based): chr1:244,841,993, G>A. VCF-style: chr1-244841993-G-A. GRCh37 (hg19) VCF-style: chr1-245005295-G-A.
Other names: c.92G>A, p.Arg31Gln (NM_001312871.1, NM_001312874.1); c.128G>A, p.Arg43Gln (NM_001312872.1); c.23-202G>A (NM_001312873.1); short protein forms R31Q, R43Q.
Identifiers: ClinVar variation 376926 (VCV000376926.14), dbSNP rs764620077, ClinGen allele CA1486090.
Genomic context (GRCh38, chr1:244,841,993, plus strand): 5'-TTTCATTCTAGTCCCTTAAGCTCCTAGGATTTTTAGATGTTGAAAATACTCCCTGCGCCC[G>A]GCATTCAATATTGTATGGTTCATTAGGATCTGTTGTGGCTGGCTTTGGACATTTTTTGTT-3'
Protein context (NP_932342.1, residues 21-41): FLDVENTPCA[Arg31Gln]HSILYGSLGS